The following is an entry in ClinVar:

Conditions:
Breast-ovarian cancer, familial, susceptibility to, 1 (BROVCA1). Also called: BRCA1 Hereditary Breast and Ovarian Cancer; OVARIAN CANCER, SUSCEPTIBILITY TO. Identifiers: Orphanet 145, MedGen C2676676, MONDO:0011450, OMIM 604370. Disease mechanism: loss of function.

Submission:

Brotman Baty Institute, University of Washington
No classification provided (evidence only). Condition: Breast-ovarian cancer, familial 1. Review status: no classification provided. Collection method: in vitro. Allele origin: not applicable. Functional consequence: functionally_abnormal.
ClinVar note: "not provided" was previously submitted as the classification for the variant. However, the classification appeared to be based only on an observation of functional data so it was converted to no classification on 2025-07-30.

NM_007294.4(BRCA1):c.5468-2A>C

Gene: BRCA1 (BRCA1 DNA repair associated; minus strand). Cytogenetic location: 17q21.31.
Variant type: single nucleotide variant.
Coding change: c.5468-2A>C on transcript NM_007294.4 (MANE Select); the canonical splice acceptor site of the intron before coding-DNA position 5468, A replaced by C.
Molecular consequence: splice acceptor variant.
Genome position (GRCh38, 1-based): chr17:43,045,804, T>G on the plus strand (A>C on the coding strand, the complement: BRCA1 is on the minus strand). VCF-style: chr17-43045804-T-G. GRCh37 (hg19) VCF-style: chr17-41197821-T-G.
Other names: c.2015-2A>C (NM_001408458.1, NM_001408461.1, NM_001408464.1 and 7 more transcripts); c.4577-2A>C (NM_001407967.1); c.5087-2A>C (NM_001407959.1); c.5201-2A>C (NM_001407931.1, NM_001407932.1, NM_001407928.1 and 4 more transcripts); c.5324-2A>C (NM_001407747.1, NM_001407745.1, NM_001407737.1 and 18 more transcripts); c.5084-2A>C (NM_001407962.1, NM_001407960.1); c.1655-2A>C (NM_001408512.1); c.1778-2A>C (NM_001408510.1); and 83 more.
Identifiers: ClinVar variation 868963 (VCV000868963.3), dbSNP rs398122699, ClinGen allele CA10590412.